The following is an entry in ClinVar:

NM_007194.4(CHEK2):c.673dup (p.Thr225fs)

Gene: CHEK2 (checkpoint kinase 2; minus strand). Cytogenetic location: 22q12.1.
Variant type: Duplication.
Coding change: c.673dup on transcript NM_007194.4 (MANE Select); coding-DNA position 673, one base duplicated (A; older notation c.673dupA).
Protein change: p.Thr225fs; shifts the reading frame from threonine 225.
Molecular consequence: frameshift variant. On other transcripts: intron variant (1).
Genome position (GRCh38, 1-based): chr22:28,719,405, T duplicated on the plus strand (A on the coding strand, the reverse complement: CHEK2 is on the minus strand); the first of 5 consecutive T bases (chr22:28,719,405-28,719,409); duplicating any one gives the same sequence. VCF-style (leftmost placement, unchanged base first): chr22-28719404-G-GT. GRCh37 (hg19) VCF-style: chr22-29115392-G-GT.
Other names: c.802dup, p.Thr268fs (NM_001005735.3, NM_001438294.1); c.10dup, p.Thr4fs (NM_001257387.3, NM_001437942.1); c.766dup, p.Thr256fs (NM_001438293.1, NM_001438295.1); c.673dup, p.Thr225fs (NM_145862.3); c.482+5481dup (NM_001349956.3); short protein forms T268fs, T225fs, T4fs, T256fs.
Identifiers: ClinVar variation 409998 (VCV000409998.15), dbSNP rs1342011335, ClinGen allele CA16616567.

ClinVar aggregate classification (germline): Pathogenic. Review status: criteria provided, multiple submitters, no conflicts (2 of 4 stars). 4 submissions from 4 submitters: Pathogenic (4). Last evaluated 2025-04-11.

Conditions:
Hereditary cancer-predisposing syndrome. Also called: Tumor predisposition; Hereditary Cancer Syndrome; Hereditary neoplastic syndrome; Neoplastic Syndromes, Hereditary. Identifiers: Orphanet 140162, MedGen C0027672, MeSH D009386, MONDO:0015356.
Familial cancer of breast. Also called: BREAST CANCER, FAMILIAL; Hereditary breast cancer; hereditary breast carcinoma. Identifiers: Orphanet 227535, MedGen C0346153, MONDO:0016419, OMIM 114480. Disease mechanism: loss of function.

Submissions (4):

Ambry Genetics
Classification: Pathogenic for Hereditary cancer-predisposing syndrome. Last evaluated: 2025-04-11. Review status: criteria provided, single submitter. Criteria: Ambry Variant Classification Scheme 2023. Collection method: clinical testing. Allele origin: germline.
Comment: The c.673dupA pathogenic mutation, located in coding exon 4 of the CHEK2 gene, results from a duplication of A at nucleotide position 673, causing a translational frameshift with a predicted alternate stop codon (p.T225Nfs*20). This alteration is expected to result in loss of function by premature protein truncation or nonsense-mediated mRNA decay. As such, this alteration is interpreted as a disease-causing mutation.

Myriad Genetics, Inc.
Classification: Pathogenic for Familial cancer of breast. Last evaluated: 2023-06-26. Review status: criteria provided, single submitter. Criteria: Myriad Autosomal Dominant, Autosomal Recessive and X-Linked Classification Criteria (2023). Collection method: clinical testing. Allele origin: unknown.
Comment: This variant is considered pathogenic. This variant creates a frameshift predicted to result in premature protein truncation.

Labcorp Genetics (formerly Invitae), Labcorp
Classification: Pathogenic for Familial cancer of breast. Last evaluated: 2023-05-30. Review status: criteria provided, single submitter. Criteria: Invitae Variant Classification Sherloc (09022015). Collection method: clinical testing. Allele origin: germline.
Comment: For these reasons, this variant has been classified as Pathogenic. ClinVar contains an entry for this variant (Variation ID: 409998). This variant has not been reported in the literature in individuals affected with CHEK2-related conditions. This variant is not present in population databases (gnomAD no frequency). This sequence change creates a premature translational stop signal (p.Thr225Asnfs*20) in the CHEK2 gene. It is expected to result in an absent or disrupted protein product. Loss-of-function variants in CHEK2 are known to be pathogenic (PMID: 21876083, 24713400).

Color Diagnostics, LLC DBA Color Health
Classification: Pathogenic for Hereditary cancer-predisposing syndrome. Last evaluated: 2021-07-29. Review status: criteria provided, single submitter. Criteria: ACMG Guidelines, 2015. Collection method: clinical testing. Allele origin: germline.
Comment: This variant inserts 1 nucleotide in exon 5 of the CHEK2 gene, creating a frameshift and premature translation stop signal. This variant is expected to result in an absent or non-functional protein product. To our knowledge, this variant has not been reported in individuals affected with hereditary cancer in the literature. This variant has not been identified in the general population by the Genome Aggregation Database (gnomAD). Loss of CHEK2 function is a known mechanism of disease. Based on the available evidence, this variant is classified as Pathogenic.

Literature cited by the submitters: PubMed 21876083 (cited by Labcorp Genetics (formerly Invitae), Labcorp); PubMed 24713400 (cited by Labcorp Genetics (formerly Invitae), Labcorp).